The following is an entry in ClinVar:

ClinVar aggregate classification (germline): Uncertain significance. Review status: reviewed by expert panel (3 of 4 stars). 4 submissions from 4 submitters: Uncertain significance (1). 3 of the submissions do not count toward it. Last evaluated 2018-12-19.

Conditions:
Hereditary nonpolyposis colorectal neoplasms. Identifiers: MedGen C0009405, MeSH D003123.
Hereditary cancer-predisposing syndrome. Also called: Tumor predisposition; Hereditary neoplastic syndrome; Neoplastic Syndromes, Hereditary; Hereditary Cancer Syndrome. Identifiers: Orphanet 140162, MedGen C0027672, MeSH D009386, MONDO:0015356.
Lynch syndrome. Identifiers: Orphanet 144, MedGen C4552100, MONDO:0005835. Disease mechanism: loss of function.
Lynch syndrome 5 (LYNCH5). Also called: Colorectal cancer, hereditary nonpolyposis, type 5; Hereditary non-polyposis colorectal cancer, type 5. Identifiers: Orphanet 144, MedGen C1833477, MONDO:0013710, OMIM 614350. Disease mechanism: loss of function.

Submissions (4):

International Society for Gastrointestinal Hereditary Tumours (InSiGHT)
Classification: Uncertain significance for Lynch syndrome. Last evaluated: 2018-12-19. Review status: reviewed by expert panel. Criteria: Guidelines v2.4. Collection method: curation. Allele origin: germline. Affected: yes.
Comment: Multifactorial likelihood analysis posterior probability between 0.05 and 0.95

Molecular Pathology, Peter Maccallum Cancer Centre
Classification: Uncertain significance for Lynch syndrome 5. Last evaluated: 2024-09-20. Review status: criteria provided, single submitter. Criteria: ACMG Guidelines, 2015. Collection method: clinical testing. Allele origin: germline. Inheritance: Autosomal dominant inheritance. Not counted in ClinVar's aggregate classification.

Labcorp Genetics (formerly Invitae), Labcorp
Classification: Uncertain significance for Hereditary nonpolyposis colorectal neoplasms. Last evaluated: 2023-05-22. Review status: criteria provided, single submitter. Criteria: Invitae Variant Classification Sherloc (09022015). Collection method: clinical testing. Allele origin: germline. Not counted in ClinVar's aggregate classification.
Comment: In summary, the available evidence is currently insufficient to determine the role of this variant in disease. Therefore, it has been classified as a Variant of Uncertain Significance. Experimental studies have shown that this missense change affects MSH6 function (PMID: 31965077). Advanced modeling of protein sequence and biophysical properties (such as structural, functional, and spatial information, amino acid conservation, physicochemical variation, residue mobility, and thermodynamic stability) has been performed at Invitae for this missense variant, however the output from this modeling did not meet the statistical confidence thresholds required to predict the impact of this variant on MSH6 protein function. ClinVar contains an entry for this variant (Variation ID: 633494). This variant has not been reported in the literature in individuals affected with MSH6-related conditions. This variant is not present in population databases (gnomAD no frequency). This sequence change replaces isoleucine, which is neutral and non-polar, with serine, which is neutral and polar, at codon 1113 of the MSH6 protein (p.Ile1113Ser).

Ambry Genetics
Classification: Uncertain significance for Hereditary cancer-predisposing syndrome. Last evaluated: 2021-08-18. Review status: criteria provided, single submitter. Criteria: Ambry Variant Classification Scheme 2023. Collection method: clinical testing. Allele origin: germline. Not counted in ClinVar's aggregate classification.
Comment: The p.I1113S variant (also known as c.3338T>G), located in coding exon 5 of the MSH6 gene, results from a T to G substitution at nucleotide position 3338. The isoleucine at codon 1113 is replaced by serine, an amino acid with dissimilar properties. In one functional study utilizing an in vitro complementation assay using MSH6 deficient nuclear extracts from cells, this alteration was found to have moderate evidence in favor of pathogenicity (Drost M et al. Genet Med, 2020 05;22:847-856). This amino acid position is well conserved in available vertebrate species. In addition, this alteration is predicted to be deleterious by in silico analysis. Since supporting evidence is limited at this time, the clinical significance of this alteration remains unclear.

Literature cited by the submitters: PubMed 31965077 (cited by Labcorp Genetics (formerly Invitae), Labcorp and Ambry Genetics).

NM_000179.3(MSH6):c.3338T>G (p.Ile1113Ser)

Gene: MSH6 (mutS homolog 6; plus strand). Cytogenetic location: 2p16.3.
Variant type: single nucleotide variant.
Coding change: c.3338T>G on transcript NM_000179.3 (MANE Select); coding-DNA position 3338, T replaced by G.
Protein change: p.Ile1113Ser; replaces isoleucine 1113 with serine.
Molecular consequence: missense variant.
Genome position (GRCh38, 1-based): chr2:47,803,585, T>G. VCF-style: chr2-47803585-T-G. GRCh37 (hg19) VCF-style: chr2-48030724-T-G.
Other names: c.2948T>G, p.Ile983Ser (NM_001281492.2); c.2432T>G, p.Ile811Ser (NM_001281493.2, NM_001281494.2); short protein forms I1113S, I811S, I983S.
Identifiers: ClinVar variation 633494 (VCV000633494.7), dbSNP rs41295272, ClinGen allele CA346758735.
Genomic context (GRCh38, chr2:47,803,585, plus strand): 5'-GATCACGCCATCCTTGCATTACGAAGACTTTTTTTGGAGATGATTTTATTCCTAATGACA[T>G]TCTAATAGGCTGTGAGGAAGAGGAGCAGGAAAATGGCAAAGCCTATTGTGTGCTTGTTAC-3'
Protein context (NP_000170.1, residues 1103-1123): FFGDDFIPND[Ile1113Ser]LIGCEEEEQE